The following is an entry in ClinVar:

NM_006208.3(ENPP1):c.1025+5G>A

Gene: ENPP1 (ectonucleotide pyrophosphatase/phosphodiesterase 1; plus strand). Cytogenetic location: 6q23.2.
Variant type: single nucleotide variant.
Coding change: c.1025+5G>A on transcript NM_006208.3 (MANE Select); 5 bases into the intron after coding-DNA position 1025, G replaced by A.
Molecular consequence: intron variant.
Genome position (GRCh38, 1-based): chr6:131,861,709, G>A. VCF-style: chr6-131861709-G-A. GRCh37 (hg19) VCF-style: chr6-132182849-G-A.
Identifiers: ClinVar variation 3664511 (VCV003664511.2).

ClinVar aggregate classification (germline): Uncertain significance (1 of 4 stars; one submission).

gnomAD v4.1: 3 of 1,496,626 alleles (0.0002%); highest among the groups gnomAD compares: Non-Finnish European, 0.00028%; no homozygotes.

Submission:

Labcorp Genetics (formerly Invitae), Labcorp
Classification: Uncertain significance. Last evaluated: 2024-09-04. Review status: criteria provided, single submitter. Criteria: Invitae Variant Classification Sherloc (09022015). Collection method: clinical testing. Allele origin: germline.
Comment: This sequence change falls in intron 9 of the ENPP1 gene. It does not directly change the encoded amino acid sequence of the ENPP1 protein. It affects a nucleotide within the consensus splice site. This variant is present in population databases (no rsID available, gnomAD 0.0009%). This variant has not been reported in the literature in individuals affected with ENPP1-related conditions. Variants that disrupt the consensus splice site are a relatively common cause of aberrant splicing (PMID: 17576681, 9536098). Algorithms developed to predict the effect of sequence changes on RNA splicing suggest that this variant may disrupt the consensus splice site. In summary, the available evidence is currently insufficient to determine the role of this variant in disease. Therefore, it has been classified as a Variant of Uncertain Significance.

Literature cited by the submitters: PubMed 17576681; PubMed 9536098.